The following is an entry in ClinVar:

ClinVar aggregate classification (germline): Conflicting classifications of pathogenicity. Review status: criteria provided, conflicting classifications (1 of 4 stars). 4 submissions from 4 submitters: Uncertain significance (3); Likely benign (1). Last evaluated 2026-01-18.

Conditions:
LZTR1-related schwannomatosis. Also called: Schwannomatosis 2; Schwannomatosis-2, susceptibility to. Identifiers: Orphanet 93921, MedGen C3810283, MONDO:0014299, OMIM 615670.

Allele frequency attached by ClinVar (database versions not stated): gnomAD 0.00014 and 0.00015; TOPMed 0.00015; ExAC 0.00017; 1000 Genomes Project 30x 0.00047; gnomAD exomes 0.00009 and 0.00016; 1000 Genomes Project 0.00040.
gnomAD v4.1: 142 of 1,559,940 alleles (0.0091%); highest among the groups gnomAD compares: East Asian, 0.096%; 1 homozygote.

Submissions (4):

Labcorp Genetics (formerly Invitae), Labcorp
Classification: Likely benign. Last evaluated: 2026-01-18. Review status: criteria provided, single submitter. Criteria: Invitae Variant Classification Sherloc (09022015). Collection method: clinical testing. Allele origin: germline.

Women's Health and Genetics/Laboratory Corporation of America, LabCorp
Classification: Uncertain significance. Last evaluated: 2025-11-18. Review status: criteria provided, single submitter. Criteria: LabCorp Variant Classification Summary - May 2015. Collection method: clinical testing. Allele origin: germline.
Comment: Variant summary: LZTR1 c.2407-18G>A alters a non-conserved nucleotide located at a position not widely known to affect splicing. Several computational tools predict a significant impact on normal splicing: Four predict the variant creates a 3' acceptor site. However, these predictions have yet to be confirmed by functional studies. The variant allele was found at a frequency of 0.00016 in 249482 control chromosomes. This frequency is not significantly higher than estimated for disease-causing variants in LZTR1, allowing no conclusion about variant significance. c.2407-18G>A has been observed in the heterozygous state inherited from an unaffected parent in at least 1 individual(s) affected with Hogdkin lymphoma / Ewing's sarcoma, without strong evidence for causality (Alonso-Luna_2024). These report(s) do not provide unequivocal conclusions about association of the variant with LZTR1-related conditions. To our knowledge, no experimental evidence demonstrating an impact on protein function has been reported. The following publication has been ascertained in the context of this evaluation (PMID: 38093606). ClinVar contains an entry for this variant (Variation ID: 995609). Based on the evidence outlined above, the variant was classified as uncertain significance.

Baylor Genetics
Classification: Uncertain significance for LZTR1-related schwannomatosis. Last evaluated: 2023-04-16. Review status: criteria provided, single submitter. Criteria: ACMG Guidelines, 2015. Collection method: clinical testing. Allele origin: unknown.

ARUP Laboratories, Molecular Genetics and Genomics, ARUP Laboratories
Classification: Uncertain significance. Last evaluated: 2020-03-03. Review status: criteria provided, single submitter. Criteria: ARUP Molecular Germline Variant Investigation Process. Collection method: clinical testing. Allele origin: germline.
Comment: The LZTR1 c.2407-18G>A variant (rs542841506), to our knowledge, is not reported in the medical literature or gene specific databases. This variant is found in the general population with an overall allele frequency of 0.015% (42/280862 alleles) in the Genome Aggregation Database. This is an intronic variant in a weakly conserved nucleotide, but computational analyses (Alamut v.2.11) predict that this variant may impact splicing by creating a novel cryptic acceptor splice site. However, without functional studies the effect on splicing is unknown. Loss of function variants in LZTR1 are associated with autosomal recessive Noonan syndrome and schwannomatosis (Motta 2019, Pagnamenta 2019). Due to limited information, the clinical significance of the c.2407-18G>A variant is uncertain at this time. References: Motta M et al. Dominant Noonan syndrome-causing LZTR1 mutations specifically affect the Kelch domain substrate-recognition surface and enhance RAS-MAPK signaling. Hum Mol Genet. 2019 Mar 15;28(6):1007-1022. Pagnamenta AT et al. Delineation of dominant and recessive forms of LZTR1-associated Noonan syndrome. Clin Genet. 2019 Jun;95(6):693-703.

Literature cited by the submitters: PubMed 38093606 (cited by Women's Health and Genetics/Laboratory Corporation of America, LabCorp).

NM_006767.4(LZTR1):c.2407-18G>A

Gene: LZTR1 (leucine zipper like post translational regulator 1; plus strand). Cytogenetic location: 22q11.21.
Variant type: single nucleotide variant.
Coding change: c.2407-18G>A on transcript NM_006767.4 (MANE Select); 18 bases into the intron before coding-DNA position 2407, G replaced by A.
Molecular consequence: intron variant.
Genome position (GRCh38, 1-based): chr22:20,997,214, G>A. VCF-style: chr22-20997214-G-A. GRCh37 (hg19) VCF-style: chr22-21351503-G-A.
Identifiers: ClinVar variation 995609 (VCV000995609.18), dbSNP rs542841506, ClinGen allele CA10119446.